The following is an entry in ClinVar:

NM_014611.3(MDN1):c.13982T>C (p.Met4661Thr)

Genes: MDN1 (midasin AAA ATPase 1; minus strand), MDN1-AS1 (MDN1 antisense RNA 1; plus strand). Cytogenetic location: 6q15.
Variant type: single nucleotide variant.
Coding change: c.13982T>C on transcript NM_014611.3 (MANE Select); coding-DNA position 13982, T replaced by C.
Protein change: p.Met4661Thr; replaces methionine 4661 with threonine.
Molecular consequence: missense variant.
Genome position (GRCh38, 1-based): chr6:89,668,126, A>G on the plus strand (T>C on the coding strand, the complement: MDN1 is on the minus strand). VCF-style: chr6-89668126-A-G. GRCh37 (hg19) VCF-style: chr6-90377845-A-G.
Other names: short protein forms M4661T.
Identifiers: ClinVar variation 3042533 (VCV003042533.2), dbSNP rs35906591, ClinGen allele CA3922661.

ClinVar aggregate classification (germline): Benign (0 of 4 stars; one submission).

Conditions:
MDN1-related disorder. Also called: MDN1-related condition.

Allele frequency attached by ClinVar (database versions not stated): gnomAD exomes 0.00044; ExAC 0.00123; 1000 Genomes Project 0.00319; gnomAD 0.00377; 1000 Genomes Project 30x 0.00406; TOPMed 0.00436; ESP Exome Variant Server 0.00477.
gnomAD v4.1: 1,265 of 1,614,130 alleles (0.078%); highest among the groups gnomAD compares: African/African-American, 1.5%; 11 homozygotes.

Submission:

PreventionGenetics, part of Exact Sciences
Classification: Benign for MDN1-related condition. Last evaluated: 2019-04-01. Review status: no assertion criteria provided. Collection method: clinical testing. Allele origin: germline.
Comment: This variant is classified as benign based on ACMG/AMP sequence variant interpretation guidelines (Richards et al. 2015 PMID: 25741868, with internal and published modifications).